The following is an entry in ClinVar:

NM_005228.5(EGFR):c.1448C>T (p.Thr483Ile)

Gene: EGFR (epidermal growth factor receptor; plus strand). Cytogenetic location: 7p11.2.
Variant type: single nucleotide variant.
Coding change: c.1448C>T on transcript NM_005228.5 (MANE Select); coding-DNA position 1448, C replaced by T.
Protein change: p.Thr483Ile; replaces threonine 483 with isoleucine.
Molecular consequence: missense variant.
Genome position (GRCh38, 1-based): chr7:55,160,288, C>T. VCF-style: chr7-55160288-C-T. GRCh37 (hg19) VCF-style: chr7-55227981-C-T.
Other names: c.1313C>T, p.Thr438Ile (NM_001346897.2, NM_001346899.2); c.1448C>T, p.Thr483Ile (NM_001346898.2, NM_201282.2, NM_201284.2); c.1289C>T, p.Thr430Ile (NM_001346900.2); c.647C>T, p.Thr216Ile (NM_001346941.2); short protein forms T216I, T438I, T430I, T483I.
Identifiers: ClinVar variation 4824468 (VCV004824468.1).

ClinVar aggregate classification (germline): Uncertain significance (1 of 4 stars; one submission).

Conditions:
Hereditary cancer-predisposing syndrome. Also called: Neoplastic Syndromes, Hereditary; Hereditary neoplastic syndrome; Tumor predisposition; Hereditary Cancer Syndrome. Identifiers: Orphanet 140162, MedGen C0027672, MeSH D009386, MONDO:0015356.

gnomAD v4.1: 1 of 1,613,964 alleles (0.000062%); highest among the groups gnomAD compares: Non-Finnish European, 0.000085%; no homozygotes.

Submission:

Ambry Genetics
Classification: Uncertain significance for Hereditary cancer-predisposing syndrome. Last evaluated: 2026-02-04. Review status: criteria provided, single submitter. Criteria: Ambry Variant Classification Scheme 2023. Collection method: clinical testing. Allele origin: germline.
Comment: The p.T483I variant (also known as c.1448C>T), located in coding exon 12 of the EGFR gene, results from a C to T substitution at nucleotide position 1448. The threonine at codon 483 is replaced by isoleucine, an amino acid with similar properties. This amino acid position is highly conserved in available vertebrate species. In addition, this alteration is predicted to be tolerated by in silico analysis. Based on the available evidence, the clinical significance of this variant remains unclear.